The following is an entry in ClinVar:

ClinVar aggregate classification (germline): Uncertain significance (1 of 4 stars; one submission).

Conditions:
Bardet-Biedl syndrome (BBS). Identifiers: Orphanet 110, MedGen C0752166, MONDO:0015229.

gnomAD v4.1: 1 of 1,613,186 alleles (0.000062%); highest among the groups gnomAD compares: Non-Finnish European, 0.000085%; no homozygotes.

Submission:

Labcorp Genetics (formerly Invitae), Labcorp
Classification: Uncertain significance for Bardet-Biedl syndrome. Last evaluated: 2025-07-02. Review status: criteria provided, single submitter. Criteria: Invitae Variant Classification Sherloc (09022015). Collection method: clinical testing. Allele origin: germline.
Comment: This sequence change replaces aspartic acid, which is acidic and polar, with glycine, which is neutral and non-polar, at codon 244 of the BBS10 protein (p.Asp244Gly). This variant is not present in population databases (gnomAD no frequency). This variant has not been reported in the literature in individuals affected with BBS10-related conditions. Invitae Evidence Modeling of protein sequence and biophysical properties (such as structural, functional, and spatial information, amino acid conservation, physicochemical variation, residue mobility, and thermodynamic stability) has been performed for this missense variant. However, the output from this modeling did not meet the statistical confidence thresholds required to predict the impact of this variant on BBS10 protein function. In summary, the available evidence is currently insufficient to determine the role of this variant in disease. Therefore, it has been classified as a Variant of Uncertain Significance.

NM_024685.4(BBS10):c.731A>G (p.Asp244Gly)

Gene: BBS10 (Bardet-Biedl syndrome 10; minus strand). Cytogenetic location: 12q21.2.
Variant type: single nucleotide variant.
Coding change: c.731A>G on transcript NM_024685.4 (MANE Select); coding-DNA position 731, A replaced by G.
Protein change: p.Asp244Gly; replaces aspartic acid 244 with glycine.
Molecular consequence: missense variant.
Genome position (GRCh38, 1-based): chr12:76,347,254, T>C on the plus strand (A>G on the coding strand, the complement: BBS10 is on the minus strand). VCF-style: chr12-76347254-T-C. GRCh37 (hg19) VCF-style: chr12-76741034-T-C.
Other names: short protein forms D244G.
Identifiers: ClinVar variation 4696794 (VCV004696794.1).
Genomic context (GRCh38, chr12:76,347,254, plus strand): 5'-ATGGTTTCTGTTACTATCACCATTCGCATGTCACCATCTGCTGGGCGGTACACAGAAAAA[T>C]CTTTCTGAAGCACAAGACCAGCTATGATCCTGGAATCTGAAACAGGAAGGCCAGTGACAC-3'
Protein context (NP_078961.3, residues 234-254): RIIAGLVLQK[Asp244Gly]FSVYRPADGD